The following is an entry in ClinVar:

ClinVar aggregate classification (germline): Likely pathogenic. Review status: criteria provided, single submitter (1 of 4 stars). 2 submissions from 2 submitters: Likely pathogenic (1). 1 of the submissions does not count toward it. Last evaluated 2024-12-05.

Conditions:
Type 2 diabetes mellitus. Also called: Type II diabetes mellitus. Identifiers: MedGen C0011860, MeSH D003924, MONDO:0005148, OMIM 125853, HP:0005978.

Submissions (2):

GeneDx
Classification: Likely pathogenic. Last evaluated: 2024-12-05. Review status: criteria provided, single submitter. Criteria: GeneDx Variant Classification Process June 2021. Collection method: clinical testing. Allele origin: germline. Affected: yes.
Comment: Observed in a family with severe insulin resistance and diabetes mellitus (George et al., 2004); Published functional studies demonstrate a damaging effect to protein function in human liver cells and rat fat cells (George et al., 2004; Chan et al., 2011); Not observed at significant frequency in large population cohorts (gnomAD); In silico analysis supports that this missense variant has a deleterious effect on protein structure/function; This variant is associated with the following publications: (PMID: 22031698, 19164855, 33901270, 35755045, 35250856, 37105912, 33893069, 15166380)

OMIM
Classification: Pathogenic for TYPE 2 DIABETES MELLITUS. Last evaluated: 2009-02-01. Review status: no assertion criteria provided. Collection method: literature only. Allele origin: germline. Not counted in ClinVar's aggregate classification.

Literature cited by the submitters: PubMed 15166380 (cited by OMIM); PubMed 19164855 (cited by OMIM).

NM_001626.6(AKT2):c.821G>A (p.Arg274His)

Gene: AKT2 (AKT serine/threonine kinase 2; minus strand). Cytogenetic location: 19q13.2.
Variant type: single nucleotide variant.
Coding change: c.821G>A on transcript NM_001626.6 (MANE Select); coding-DNA position 821, G replaced by A.
Protein change: p.Arg274His; replaces arginine 274 with histidine.
Molecular consequence: missense variant.
Genome position (GRCh38, 1-based): chr19:40,237,979, C>T on the plus strand (G>A on the coding strand, the complement: AKT2 is on the minus strand). VCF-style: chr19-40237979-C-T. GRCh37 (hg19) VCF-style: chr19-40743886-C-T.
Other names: c.821G>A, p.Arg274His (LRG_1391t1, NM_001330511.1); c.635G>A, p.Arg212His (NM_001243027.3, NM_001243028.3); c.821G>A (NM_001626.5); short protein forms R274H, R212H.
Identifiers: ClinVar variation 13982 (VCV000013982.4), dbSNP rs121434593, ClinGen allele CA123659.